The following is an entry in ClinVar:

NM_002317.7(LOX):c.112G>T (p.Ala38Ser)

Genes: LOX (lysyl oxidase; minus strand), SRFBP1 (serum response factor binding protein 1; plus strand). Cytogenetic location: 5q23.1.
Variant type: single nucleotide variant.
Coding change: c.112G>T on transcript NM_002317.7 (MANE Select); coding-DNA position 112, G replaced by T.
Protein change: p.Ala38Ser; replaces alanine 38 with serine.
Molecular consequence: missense variant.
Genome position (GRCh38, 1-based): chr5:122,077,874, C>A on the plus strand (G>T on the coding strand, the complement: LOX is on the minus strand). VCF-style: chr5-122077874-C-A. GRCh37 (hg19) VCF-style: chr5-121413569-C-A.
Other names: short protein forms A38S.
Identifiers: ClinVar variation 1314209 (VCV001314209.2), dbSNP rs867804256, ClinGen allele CA125917604.
Genomic context (GRCh38, chr5:122,077,874, plus strand): 5'-GCAAGCTGAACACCTGCCCGTTGTTCTCCCATTGGATCTGCTGGCGCCAGGCGCCCGGAG[C>A]CGCCGGCGGCTCGCGCGGGGGCTGCTGTTGGCCGGCGGCGGGAGGGGCGCAGTGCACTAG-3'
Protein context (NP_002308.2, residues 28-48): QQQPPREPPA[Ala38Ser]PGAWRQQIQW

ClinVar aggregate classification (germline): Uncertain significance (1 of 4 stars; one submission).

Submission:

GeneDx
Classification: Uncertain significance. Last evaluated: 2021-03-23. Review status: criteria provided, single submitter. Criteria: GeneDx Variant Classification Process June 2021. Collection method: clinical testing. Allele origin: germline. Affected: yes.
Comment: Not observed in large population cohorts (Lek et al., 2016); In silico analysis supports that this missense variant does not alter protein structure/function; Has not been previously published as pathogenic or benign to our knowledge